The following is an entry in ClinVar:

NM_001754.5(RUNX1):c.1431G>C (p.Trp477Cys)

Gene: RUNX1 (RUNX family transcription factor 1; minus strand). Cytogenetic location: 21q22.12.
Variant type: single nucleotide variant.
Coding change: c.1431G>C on transcript NM_001754.5 (MANE Select); coding-DNA position 1431, G replaced by C.
Protein change: p.Trp477Cys; replaces tryptophan 477 with cysteine.
Molecular consequence: missense variant.
Genome position (GRCh38, 1-based): chr21:34,792,147, C>G on the plus strand (G>C on the coding strand, the complement: RUNX1 is on the minus strand). VCF-style: chr21-34792147-C-G. GRCh37 (hg19) VCF-style: chr21-36164444-C-G.
Other names: NM_001754.5(RUNX1):c.1431G>C; p.Trp477Cys; c.1350G>C, p.Trp450Cys (NM_001001890.3); short protein forms W477C, W450C.
Identifiers: ClinVar variation 2752645 (VCV002752645.4), dbSNP rs2145871626, ClinGen allele CA410146582.

ClinVar aggregate classification (germline): Uncertain significance. Review status: reviewed by expert panel (3 of 4 stars). 2 submissions from 2 submitters: Uncertain significance (1). 1 of the submissions does not count toward it. Last evaluated 2025-01-15.

Conditions:
Hereditary thrombocytopenia and hematological cancer predisposition syndrome associated with RUNX1. Also called: Familial Platelet Disorder with Propensity to Acute Myelogenous Leukemia; Familial thrombocytopenia with propensity to acute myelogenous leukemia; PLATELET DISORDER, ASPIRIN-LIKE; RUNX1 Familial Platelet Disorder with Associated Myeloid Malignancies. Identifiers: Orphanet 71290, MedGen C1832388, MeSH C563324, MONDO:0100083, OMIM 601399.
Hereditary thrombocytopenia and hematologic cancer predisposition syndrome. Identifiers: Orphanet 71290, MedGen CN281654, MONDO:0011071.

Submissions (2):

ClinGen Myeloid Malignancy Variant Curation Expert Panel
Classification: Uncertain significance for Hereditary thrombocytopenia and hematologic cancer predisposition syndrome. Last evaluated: 2025-01-15. Review status: reviewed by expert panel. Criteria: ClinGen MyeloMalig ACMG Specifications v2. Collection method: curation. Allele origin: germline. Inheritance: Autosomal dominant inheritance.
Comment: NM_001754.5(RUNX1):c.1431G>C (p.Trp477Cys) is a missense variant which is completely absent from all population databases with at least 20x coverage for RUNX1 (PM2_Supporting). In summary, the clinical significance of this variant is uncertain. ACMG/AMP criteria applied, as specified by the Myeloid Malignancy Variant Curation Expert Panel for RUNX1: PM2_supporting.

Labcorp Genetics (formerly Invitae), Labcorp
Classification: Uncertain significance for Hereditary thrombocytopenia and hematological cancer predisposition syndrome associated with RUNX1. Last evaluated: 2023-08-16. Review status: criteria provided, single submitter. Criteria: Invitae Variant Classification Sherloc (09022015). Collection method: clinical testing. Allele origin: germline. Not counted in ClinVar's aggregate classification.
Comment: In summary, the available evidence is currently insufficient to determine the role of this variant in disease. Therefore, it has been classified as a Variant of Uncertain Significance. Advanced modeling of protein sequence and biophysical properties (such as structural, functional, and spatial information, amino acid conservation, physicochemical variation, residue mobility, and thermodynamic stability) performed at Invitae indicates that this missense variant is expected to disrupt RUNX1 protein function. This variant has not been reported in the literature in individuals affected with RUNX1-related conditions. This variant is not present in population databases (gnomAD no frequency). This sequence change replaces tryptophan, which is neutral and slightly polar, with cysteine, which is neutral and slightly polar, at codon 477 of the RUNX1 protein (p.Trp477Cys).